The following is an entry in ClinVar:

ClinVar aggregate classification (germline): Uncertain significance (1 of 4 stars; one submission).

Allele frequency attached by ClinVar (database versions not stated): TOPMed 0.00001.
gnomAD v4.1: 9 of 1,568,760 alleles (0.00057%); highest among the groups gnomAD compares: Admixed American, 0.006%; no homozygotes.

Submission:

Labcorp Genetics (formerly Invitae), Labcorp
Classification: Uncertain significance. Last evaluated: 2022-06-22. Review status: criteria provided, single submitter. Criteria: Invitae Variant Classification Sherloc (09022015). Collection method: clinical testing. Allele origin: germline.
Comment: This sequence change replaces glycine, which is neutral and non-polar, with valine, which is neutral and non-polar, at codon 255 of the TRAF3IP1 protein (p.Gly255Val). This variant is present in population databases (rs779874921, gnomAD 0.01%). This variant has not been reported in the literature in individuals affected with TRAF3IP1-related conditions. Algorithms developed to predict the effect of missense changes on protein structure and function are either unavailable or do not agree on the potential impact of this missense change (SIFT: "Tolerated"; PolyPhen-2: "Probably Damaging"; Align-GVGD: "Class C0"). Algorithms developed to predict the effect of sequence changes on RNA splicing suggest that this variant may create or strengthen a splice site. In summary, the available evidence is currently insufficient to determine the role of this variant in disease. Therefore, it has been classified as a Variant of Uncertain Significance.

NM_015650.4(TRAF3IP1):c.764G>T (p.Gly255Val)

Gene: TRAF3IP1 (TRAF3 interacting protein 1; plus strand). Cytogenetic location: 2q37.3.
Variant type: single nucleotide variant.
Coding change: c.764G>T on transcript NM_015650.4 (MANE Select); coding-DNA position 764, G replaced by T.
Protein change: p.Gly255Val; replaces glycine 255 with valine.
Molecular consequence: missense variant.
Genome position (GRCh38, 1-based): chr2:238,329,191, G>T. VCF-style: chr2-238329191-G-T. GRCh37 (hg19) VCF-style: chr2-239237832-G-T.
Other names: c.764G>T, p.Gly255Val (NM_001139490.1); short protein forms G255V.
Identifiers: ClinVar variation 1346165 (VCV001346165.5), dbSNP rs779874921, ClinGen allele CA2198135.